The following is an entry in ClinVar:

ClinVar aggregate classification (germline): Uncertain significance. Review status: criteria provided, multiple submitters, no conflicts (2 of 4 stars). 4 submissions from 4 submitters: Uncertain significance (4). Last evaluated 2026-04-14.

Conditions:
Neuropathy, hereditary sensory and autonomic, type 2A (HSAN2A). Also called: WNK1-Related HSAN2 (HSAN2A); ACROOSTEOLYSIS, GIACCAI TYPE; ACROOSTEOLYSIS, NEUROGENIC; MORVAN DISEASE; NEUROPATHY, CONGENITAL SENSORY; NEUROPATHY, HEREDITARY SENSORY RADICULAR, AUTOSOMAL RECESSIVE. Identifiers: Orphanet 970, MedGen C2752089, MONDO:0024309, OMIM 201300.
Generalized epilepsy with febrile seizures plus, type 7 (GEFSP7). Also called: GEFS+, TYPE 7. Identifiers: Orphanet 36387, MedGen C2751778, MONDO:0013470, OMIM 613863.
Channelopathy-associated congenital insensitivity to pain, autosomal recessive. Also called: Insensitivity to pain, channelopathy-associated; ASYMBOLIA FOR PAIN; CONGENITAL ANALGESIA, AUTOSOMAL RECESSIVE. Identifiers: Orphanet 88642, Orphanet 970, MedGen C1855739, MONDO:0009459, OMIM 243000.
Primary erythromelalgia. Also called: primary erythermalgia; SCN9A Erythromelalgia (SCN9A-EM). Identifiers: Orphanet 306577, Orphanet 90026, MedGen C0014805, MONDO:0007571, OMIM 133020.
Paroxysmal extreme pain disorder (PEXPD). Also called: SCN9A Paroxysmal Extreme Pain Disorder (SCN9A-PEPD); PAIN, SUBMANDIBULAR, OCULAR, AND RECTAL, WITH FLUSHING; RECTAL PAIN, FAMILIAL. Identifiers: Orphanet 46348, MedGen C1833661, MONDO:0008179, OMIM 167400.
Inborn genetic diseases. Identifiers: MedGen C0950123, MeSH D030342.

Allele frequency attached by ClinVar (database versions not stated): gnomAD 0.00005; TOPMed 0.00008.
gnomAD v4.1: 11 of 1,613,624 alleles (0.00068%); highest among the groups gnomAD compares: Admixed American, 0.013%; no homozygotes.

Submissions (4):

Ambry Genetics
Classification: Uncertain significance for Inborn genetic diseases. Last evaluated: 2026-04-14. Review status: criteria provided, single submitter. Criteria: Ambry Variant Classification Scheme 2023. Collection method: clinical testing. Allele origin: germline.
Comment: The c.764G>A (p.C255Y) alteration is located in exon 7 (coding exon 6) of the SCN9A gene. This alteration results from a G to A substitution at nucleotide position 764, causing the cysteine (C) at amino acid position 255 to be replaced by a tyrosine (Y). Based on data from gnomAD, the A allele has an overall frequency of 0.001% (3/282358) total alleles studied. The highest observed frequency was 0.028% (2/7190) of Other alleles. Based on insufficient or conflicting evidence, the clinical significance of this alteration remains unclear.

Labcorp Genetics (formerly Invitae), Labcorp
Classification: Uncertain significance for Neuropathy, hereditary sensory and autonomic, type 2A; Generalized epilepsy with febrile seizures plus, type 7. Last evaluated: 2026-01-05. Review status: criteria provided, single submitter. Criteria: Invitae Variant Classification Sherloc (09022015). Collection method: clinical testing. Allele origin: germline.
Comment: This sequence change replaces cysteine, which is neutral and slightly polar, with tyrosine, which is neutral and polar, at codon 255 of the SCN9A protein (p.Cys255Tyr). This variant is present in population databases (no rsID available, gnomAD 0.1%). This variant has not been reported in the literature in individuals affected with SCN9A-related conditions. ClinVar contains an entry for this variant (Variation ID: 647001). Invitae Evidence Modeling of protein sequence and biophysical properties (such as structural, functional, and spatial information, amino acid conservation, physicochemical variation, residue mobility, and thermodynamic stability) has been performed for this missense variant. However, the output from this modeling did not meet the statistical confidence thresholds required to predict the impact of this variant on SCN9A protein function. In summary, the available evidence is currently insufficient to determine the role of this variant in disease. Therefore, it has been classified as a Variant of Uncertain Significance.

GeneDx
Classification: Uncertain significance. Last evaluated: 2024-12-05. Review status: criteria provided, single submitter. Criteria: GeneDx Variant Classification Process June 2021. Collection method: clinical testing. Allele origin: germline. Affected: yes.
Comment: In silico analysis supports that this missense variant has a deleterious effect on protein structure/function; Has not been previously published as pathogenic or benign to our knowledge

Fulgent Genetics
Classification: Uncertain significance for Primary erythromelalgia; Paroxysmal extreme pain disorder; Neuropathy, hereditary sensory and autonomic, type 2A; Channelopathy-associated congenital insensitivity to pain, autosomal recessive. Last evaluated: 2021-12-20. Review status: criteria provided, single submitter. Criteria: ACMG Guidelines, 2015. Collection method: clinical testing. Allele origin: unknown.

NM_001365536.1(SCN9A):c.764G>A (p.Cys255Tyr)

Gene: SCN9A (sodium voltage-gated channel alpha subunit 9; minus strand). Cytogenetic location: 2q24.3.
Variant type: single nucleotide variant.
Coding change: c.764G>A on transcript NM_001365536.1 (MANE Select); coding-DNA position 764, G replaced by A.
Protein change: p.Cys255Tyr; replaces cysteine 255 with tyrosine.
Molecular consequence: missense variant.
Genome position (GRCh38, 1-based): chr2:166,303,227, C>T on the plus strand (G>A on the coding strand, the complement: SCN9A is on the minus strand). VCF-style: chr2-166303227-C-T. GRCh37 (hg19) VCF-style: chr2-167159737-C-T.
Other names: c.764G>A, p.Cys255Tyr (NM_002977.4); short protein forms C255Y.
Identifiers: ClinVar variation 647001 (VCV000647001.17), dbSNP rs755139637, ClinGen allele CA59808666.
Genomic context (GRCh38, chr2:166,303,227, plus strand): 5'-CATTTATGCTTCAGGTTTCCCATGAACAGCTGTAGTCCAATTAGTGCAAACACACTCAGA[C>T]AGAACACAGTCAGGATCATGACATCAGAAAGCTTCTTCACTGACTGGATCAAAGCCCCTA-3'
Protein context (NP_001352465.1, residues 245-265): LSDVMILTVF[Cys255Tyr]LSVFALIGLQ